The following is an entry in ClinVar:

NM_001365536.1(SCN9A):c.2517+16G>C

Genes: SCN1A-AS1 (SCN1A and SCN9A antisense RNA 1; plus strand), SCN9A (sodium voltage-gated channel alpha subunit 9; minus strand). Cytogenetic location: 2q24.3.
Variant type: single nucleotide variant.
Coding change: c.2517+16G>C on transcript NM_001365536.1 (MANE Select); 16 bases into the intron after coding-DNA position 2517, G replaced by C.
Molecular consequence: intron variant.
Genome position (GRCh38, 1-based): chr2:166,278,124, C>G on the plus strand (G>C on the coding strand, the complement: SCN9A is on the minus strand). VCF-style: chr2-166278124-C-G. GRCh37 (hg19) VCF-style: chr2-167134634-C-G.
Other names: c.2484+16G>C (NM_002977.4).
Identifiers: ClinVar variation 2926523 (VCV002926523.3), dbSNP rs2468008878, ClinGen allele CA2740095851.

ClinVar aggregate classification (germline): Uncertain significance (1 of 4 stars; one submission).

Conditions:
Neuropathy, hereditary sensory and autonomic, type 2A (HSAN2A). Also called: MORVAN DISEASE; NEUROPATHY, CONGENITAL SENSORY; NEUROPATHY, HEREDITARY SENSORY RADICULAR, AUTOSOMAL RECESSIVE; NEUROPATHY, HEREDITARY SENSORY, TYPE IIA; NEUROPATHY, PROGRESSIVE SENSORY, OF CHILDREN; ACROOSTEOLYSIS, GIACCAI TYPE. Identifiers: Orphanet 970, MedGen C2752089, MONDO:0024309, OMIM 201300.
Generalized epilepsy with febrile seizures plus, type 7 (GEFSP7). Also called: GEFS+, TYPE 7. Identifiers: Orphanet 36387, MedGen C2751778, MONDO:0013470, OMIM 613863.

Submission:

Labcorp Genetics (formerly Invitae), Labcorp
Classification: Uncertain significance for Neuropathy, hereditary sensory and autonomic, type 2A; Generalized epilepsy with febrile seizures plus, type 7. Last evaluated: 2022-12-16. Review status: criteria provided, single submitter. Criteria: Invitae Variant Classification Sherloc (09022015). Collection method: clinical testing. Allele origin: germline.
Comment: In summary, the available evidence is currently insufficient to determine the role of this variant in disease. Therefore, it has been classified as a Variant of Uncertain Significance. This sequence change falls in intron 15 of the SCN9A gene. It does not directly change the encoded amino acid sequence of the SCN9A protein. This variant is not present in population databases (gnomAD no frequency). This variant has not been reported in the literature in individuals affected with SCN9A-related conditions. Algorithms developed to predict the effect of sequence changes on RNA splicing suggest that this variant may disrupt the consensus splice site.